The following is an entry in ClinVar:

NM_152383.5(DIS3L2):c.2622_2642dup (p.Glu874_Glu880dup)

Gene: DIS3L2 (DIS3 like 3'-5' exoribonuclease 2; plus strand). Cytogenetic location: 2q37.1.
Variant type: Duplication.
Coding change: c.2622_2642dup on transcript NM_152383.5 (MANE Select); coding-DNA positions 2622 to 2642, 21 bases duplicated (GTCTGACGGTGAGCCCGAGGA).
Protein change: p.Glu874_Glu880dup.
Molecular consequence: inframe insertion. On other transcripts: non-coding transcript variant (2), intron variant (1).
Genome position (GRCh38, 1-based): chr2:232,336,594-232,336,614, GTCTGACGGTGAGCCCGAGGA duplicated; duplicating any 21 consecutive bases within chr2:232,336,589-232,336,614 gives the same sequence; the c. name uses the placement nearest the transcript's 3' end. VCF-style (leftmost placement, unchanged base first): chr2-232336588-G-GGAGGAGTCTGACGGTGAGCCC. GRCh37 (hg19) VCF-style: chr2-233201298-G-GGAGGAGTCTGACGGTGAGCCC.
Other names: c.1582-6751_1582-6731dup (NM_001257281.2).
Identifiers: ClinVar variation 966223 (VCV000966223.7), dbSNP rs757955623, ClinGen allele CA2164634.

ClinVar aggregate classification (germline): Uncertain significance (1 of 4 stars; one submission).

Conditions:
Perlman syndrome (PRLMNS). Identifiers: Orphanet 2849, MedGen C0796113, MONDO:0009965, OMIM 267000.

Submission:

Labcorp Genetics (formerly Invitae), Labcorp
Classification: Uncertain significance for Perlman syndrome. Last evaluated: 2024-08-06. Review status: criteria provided, single submitter. Criteria: Invitae Variant Classification Sherloc (09022015). Collection method: clinical testing. Allele origin: germline.
Comment: This variant, c.2622_2642dup, results in the insertion of 7 amino acid(s) of the DIS3L2 protein (p.Glu874_Glu880dup), but otherwise preserves the integrity of the reading frame. This variant is present in population databases (rs757955623, gnomAD 0.01%). This variant has not been reported in the literature in individuals affected with DIS3L2-related conditions. ClinVar contains an entry for this variant (Variation ID: 966223). In summary, the available evidence is currently insufficient to determine the role of this variant in disease. Therefore, it has been classified as a Variant of Uncertain Significance.